The following is an entry in ClinVar:

NM_000553.6(WRN):c.3982+1G>C

Gene: WRN (WRN RecQ like helicase; plus strand). Cytogenetic location: 8p12.
Variant type: single nucleotide variant.
Coding change: c.3982+1G>C on transcript NM_000553.6 (MANE Select); the canonical splice donor site of the intron after coding-DNA position 3982, G replaced by C.
Molecular consequence: splice donor variant.
Genome position (GRCh38, 1-based): chr8:31,157,531, G>C. VCF-style: chr8-31157531-G-C. GRCh37 (hg19) VCF-style: chr8-31015047-G-C.
Identifiers: ClinVar variation 1468750 (VCV001468750.7), dbSNP rs1381370500, ClinGen allele CA370929774.

ClinVar aggregate classification (germline): Likely pathogenic. Review status: criteria provided, multiple submitters, no conflicts (2 of 4 stars). 2 submissions from 2 submitters: Likely pathogenic (2). Last evaluated 2023-07-10.

Conditions:
Werner syndrome (WRN). Identifiers: Orphanet 902, MedGen C0043119, MONDO:0010196, OMIM 277700.

Submissions (2):

Baylor Genetics
Classification: Likely pathogenic for Werner syndrome. Last evaluated: 2023-07-10. Review status: criteria provided, single submitter. Criteria: ACMG Guidelines, 2015. Collection method: clinical testing. Allele origin: unknown.

Labcorp Genetics (formerly Invitae), Labcorp
Classification: Likely pathogenic for Werner syndrome. Last evaluated: 2021-10-23. Review status: criteria provided, single submitter. Criteria: Invitae Variant Classification Sherloc (09022015). Collection method: clinical testing. Allele origin: germline.
Comment: This variant is not present in population databases (ExAC no frequency). This sequence change affects a donor splice site in intron 33 of the WRN gene. It is expected to disrupt RNA splicing. Variants that disrupt the donor or acceptor splice site typically lead to a loss of protein function (PMID: 16199547), and loss-of-function variants in WRN are known to be pathogenic (PMID: 16673358). In summary, the currently available evidence indicates that the variant is pathogenic, but additional data are needed to prove that conclusively. Therefore, this variant has been classified as Likely Pathogenic. Algorithms developed to predict the effect of sequence changes on RNA splicing suggest that this variant may disrupt the consensus splice site. This variant has not been reported in the literature in individuals affected with WRN-related conditions.

Literature cited by the submitters: PubMed 16199547 (cited by Labcorp Genetics (formerly Invitae), Labcorp); PubMed 16673358 (cited by Labcorp Genetics (formerly Invitae), Labcorp).